The following is an entry in ClinVar:

NM_025233.7(COASY):c.460T>G (p.Ser154Ala)

Gene: COASY (Coenzyme A synthase; plus strand). Cytogenetic location: 17q21.2.
Variant type: single nucleotide variant.
Coding change: c.460T>G on transcript NM_025233.7 (MANE Select); coding-DNA position 460, T replaced by G.
Protein change: p.Ser154Ala; replaces serine 154 with alanine.
Molecular consequence: missense variant.
Genome position (GRCh38, 1-based): chr17:42,563,082, T>G. VCF-style: chr17-42563082-T-G. GRCh37 (hg19) VCF-style: chr17-40715100-T-G.
Other names: c.460T>G, p.Ser154Ala (NM_001042529.3); c.547T>G, p.Ser183Ala (NM_001042532.4); short protein forms S183A, S154A.
Identifiers: ClinVar variation 2081913 (VCV002081913.4), dbSNP rs2143196726, ClinGen allele CA399618041.

ClinVar aggregate classification (germline): Uncertain significance (1 of 4 stars; one submission).

Conditions:
Neurodegeneration with brain iron accumulation 6 (NBIA6). Also called: COASY protein-associated neurodegeneration. Identifiers: Orphanet 397725, MedGen C4517377, MONDO:0014290, OMIM 615643.

Submission:

Labcorp Genetics (formerly Invitae), Labcorp
Classification: Uncertain significance for Neurodegeneration with brain iron accumulation 6. Last evaluated: 2022-11-27. Review status: criteria provided, single submitter. Criteria: Invitae Variant Classification Sherloc (09022015). Collection method: clinical testing. Allele origin: germline.
Comment: In summary, the available evidence is currently insufficient to determine the role of this variant in disease. Therefore, it has been classified as a Variant of Uncertain Significance. Advanced modeling of protein sequence and biophysical properties (such as structural, functional, and spatial information, amino acid conservation, physicochemical variation, residue mobility, and thermodynamic stability) performed at Invitae indicates that this missense variant is not expected to disrupt COASY protein function. This variant has not been reported in the literature in individuals affected with COASY-related conditions. This variant is not present in population databases (gnomAD no frequency). This sequence change replaces serine, which is neutral and polar, with alanine, which is neutral and non-polar, at codon 154 of the COASY protein (p.Ser154Ala).